The following is an entry in ClinVar:

ClinVar aggregate classification (germline): Uncertain significance (1 of 4 stars; one submission).

gnomAD v4.1: 2 of 1,211,782 alleles (0.00017%); highest among the groups gnomAD compares: Non-Finnish European, 0.00022%; no homozygotes.

Submission:

GeneDx
Classification: Uncertain significance. Last evaluated: 2026-03-11. Review status: criteria provided, single submitter. Criteria: GeneDx Variant Classification Process June 2021. Collection method: clinical testing. Allele origin: germline.
Comment: Not observed at significant frequency in large population cohorts (gnomAD); In silico analysis suggests that this missense variant does not alter protein structure/function; Has not been previously published as pathogenic or benign to our knowledge

NM_031407.7(HUWE1):c.2641G>A (p.Ala881Thr)

Gene: HUWE1 (HECT, UBA and WWE domain containing E3 ubiquitin protein ligase 1; minus strand). Cytogenetic location: Xp11.22.
Variant type: single nucleotide variant.
Coding change: c.2641G>A on transcript NM_031407.7 (MANE Select); coding-DNA position 2641, G replaced by A.
Protein change: p.Ala881Thr; replaces alanine 881 with threonine.
Molecular consequence: missense variant.
Genome position (GRCh38, 1-based): chrX:53,604,690, C>T on the plus strand (G>A on the coding strand, the complement: HUWE1 is on the minus strand). VCF-style: chrX-53604690-C-T. GRCh37 (hg19) VCF-style: chrX-53631651-C-T.
Other names: c.2641G>A, p.Ala881Thr (NM_001441048.1, NM_001441049.1, NM_001441051.1 and 6 more transcripts); c.2662G>A, p.Ala888Thr (NM_001441050.1, NM_001441055.1); short protein forms A881T, A888T.
Identifiers: ClinVar variation 5008983 (VCV005008983.1).